The following is an entry in ClinVar:

NM_002796.3(PSMB4):c.494+17A>G

Gene: PSMB4 (proteasome 20S subunit beta 4; plus strand). Cytogenetic location: 1q21.3.
Variant type: single nucleotide variant.
Coding change: c.494+17A>G on transcript NM_002796.3 (MANE Select); 17 bases into the intron after coding-DNA position 494, A replaced by G.
Molecular consequence: intron variant.
Genome position (GRCh38, 1-based): chr1:151,400,605, A>G. VCF-style: chr1-151400605-A-G. GRCh37 (hg19) VCF-style: chr1-151373081-A-G.
Identifiers: ClinVar variation 1900161 (VCV001900161.5), dbSNP rs757952274, ClinGen allele CA1090666.
Genomic context (GRCh38, chr1:151,400,605, plus strand): 5'-TTGTGGAACACCATGGTCATCGGAGGCTATGCTGATGGAGAGAGGTTCATATGAATACAA[A>G]TAACTTATTTCCTTTACCACCCAACCTAGTACCTGTGTAGTATCTCTTCTGTCTCTTCTC-3'

ClinVar aggregate classification (germline): Uncertain significance (1 of 4 stars; one submission).

Allele frequency attached by ClinVar (database versions not stated): TOPMed below 0.00001; gnomAD exomes 0.00003; gnomAD 0.00005; ExAC 0.00007.

Submission:

Labcorp Genetics (formerly Invitae), Labcorp
Classification: Uncertain significance. Last evaluated: 2025-09-21. Review status: criteria provided, single submitter. Criteria: Invitae Variant Classification Sherloc (09022015). Collection method: clinical testing. Allele origin: germline.
Comment: This sequence change falls in intron 3 of the PSMB4 gene. It does not directly change the encoded amino acid sequence of the PSMB4 protein. This variant is present in population databases (rs757952274, gnomAD 0.009%). This variant has not been reported in the literature in individuals affected with PSMB4-related conditions. ClinVar contains an entry for this variant (Variation ID: 1900161). Algorithms developed to predict the effect of sequence changes on RNA splicing suggest that this variant may disrupt the consensus splice site. In summary, the available evidence is currently insufficient to determine the role of this variant in disease. Therefore, it has been classified as a Variant of Uncertain Significance.